The following is an entry in ClinVar:

NM_182931.3(KMT2E):c.1463G>A (p.Arg488Lys)

Gene: KMT2E (lysine methyltransferase 2E (inactive); plus strand). Cytogenetic location: 7q22.3.
Variant type: single nucleotide variant.
Coding change: c.1463G>A on transcript NM_182931.3 (MANE Select); coding-DNA position 1463, G replaced by A.
Protein change: p.Arg488Lys; replaces arginine 488 with lysine.
Molecular consequence: missense variant.
Genome position (GRCh38, 1-based): chr7:105,090,113, G>A. VCF-style: chr7-105090113-G-A. GRCh37 (hg19) VCF-style: chr7-104730560-G-A.
Other names: c.1463G>A, p.Arg488Lys (NM_001410908.1, NM_018682.4); short protein forms R488K.
Identifiers: ClinVar variation 3391647 (VCV003391647.1).

ClinVar aggregate classification (germline): Uncertain significance (1 of 4 stars; one submission).

gnomAD v4.1: 2 of 1,613,230 alleles (0.00012%); highest among the groups gnomAD compares: African/African-American, 0.0027%; no homozygotes.

Submission:

GeneDx
Classification: Uncertain significance. Last evaluated: 2024-06-18. Review status: criteria provided, single submitter. Criteria: GeneDx Variant Classification Process June 2021. Collection method: clinical testing. Allele origin: germline. Affected: yes.
Comment: Not observed at significant frequency in large population cohorts (gnomAD); In silico analysis indicates that this missense variant does not alter protein structure/function; Has not been previously published as pathogenic or benign to our knowledge